The following is an entry in ClinVar:

ClinVar aggregate classification (germline): Uncertain significance (1 of 4 stars; one submission).

Submission:

Greenwood Genetic Center Diagnostic Laboratories, Greenwood Genetic Center
Classification: Uncertain significance. Last evaluated: 2022-02-10. Review status: criteria provided, single submitter. Criteria: ACMG Guidelines, 2015. Collection method: clinical testing. Allele origin: germline. Affected: yes.
Comment: PM2 PP2

NM_014991.6(WDFY3):c.9820A>G (p.Ile3274Val)

Gene: WDFY3 (WD repeat and FYVE domain containing 3; minus strand). Cytogenetic location: 4q21.23.
Variant type: single nucleotide variant.
Coding change: c.9820A>G on transcript NM_014991.6 (MANE Select); coding-DNA position 9820, A replaced by G.
Protein change: p.Ile3274Val; replaces isoleucine 3274 with valine.
Molecular consequence: missense variant.
Genome position (GRCh38, 1-based): chr4:84,682,377, T>C on the plus strand (A>G on the coding strand, the complement: WDFY3 is on the minus strand). VCF-style: chr4-84682377-T-C. GRCh37 (hg19) VCF-style: chr4-85603530-T-C.
Other names: short protein forms I3274V.
Identifiers: ClinVar variation 1676439 (VCV001676439.3), dbSNP rs2148783361, ClinGen allele CA357267284.